The following is an entry in ClinVar:

NM_001271.4(CHD2):c.5335C>T (p.Pro1779Ser)

Gene: CHD2 (chromodomain helicase DNA binding protein 2; plus strand). Cytogenetic location: 15q26.1.
Variant type: single nucleotide variant.
Coding change: c.5335C>T on transcript NM_001271.4 (MANE Select); coding-DNA position 5335, C replaced by T.
Protein change: p.Pro1779Ser; replaces proline 1779 with serine.
Molecular consequence: missense variant.
Genome position (GRCh38, 1-based): chr15:93,024,553, C>T. VCF-style: chr15-93024553-C-T. GRCh37 (hg19) VCF-style: chr15-93567783-C-T.
Other names: short protein forms P1779S.
Identifiers: ClinVar variation 1382809 (VCV001382809.6), dbSNP rs374271060, ClinGen allele CA393908571.

ClinVar aggregate classification (germline): Uncertain significance (1 of 4 stars; one submission).

Conditions:
Developmental and epileptic encephalopathy 94 (DEE94). Also called: CHD2-Related Neurodevelopmental Disorders; Epileptic encephalopathy, childhood-onset. Identifiers: Orphanet 1942, Orphanet 2382, MedGen C3809278, MONDO:0014150, OMIM 615369.

Allele frequency attached by ClinVar (database versions not stated): TOPMed below 0.00001.
gnomAD v4.1: 2 of 1,614,204 alleles (0.00012%); highest among the groups gnomAD compares: South Asian, 0.0011%; no homozygotes.

Submission:

Labcorp Genetics (formerly Invitae), Labcorp
Classification: Uncertain significance for Developmental and epileptic encephalopathy 94. Last evaluated: 2021-10-27. Review status: criteria provided, single submitter. Criteria: Invitae Variant Classification Sherloc (09022015). Collection method: clinical testing. Allele origin: germline.
Comment: Advanced modeling of protein sequence and biophysical properties (such as structural, functional, and spatial information, amino acid conservation, physicochemical variation, residue mobility, and thermodynamic stability) performed at Invitae indicates that this missense variant is not expected to disrupt CHD2 protein function. In summary, the available evidence is currently insufficient to determine the role of this variant in disease. Therefore, it has been classified as a Variant of Uncertain Significance. This variant has not been reported in the literature in individuals affected with CHD2-related conditions. This variant is not present in population databases (gnomAD no frequency). This sequence change replaces proline, which is neutral and non-polar, with serine, which is neutral and polar, at codon 1779 of the CHD2 protein (p.Pro1779Ser).